The following is an entry in ClinVar:

NM_001286445.3(RIPOR2):c.2854C>T (p.His952Tyr)

Gene: RIPOR2 (RHO family interacting cell polarization regulator 2; minus strand). Cytogenetic location: 6p22.3.
Variant type: single nucleotide variant.
Coding change: c.2854C>T on transcript NM_001286445.3 (MANE Select); coding-DNA position 2854, C replaced by T.
Protein change: p.His952Tyr; replaces histidine 952 with tyrosine.
Molecular consequence: missense variant.
Genome position (GRCh38, 1-based): chr6:24,825,240, G>A on the plus strand (C>T on the coding strand, the complement: RIPOR2 is on the minus strand). VCF-style: chr6-24825240-G-A. GRCh37 (hg19) VCF-style: chr6-24825468-G-A.
Other names: c.2767C>T, p.His923Tyr (NM_001346031.2, NM_001346032.2); c.2917C>T, p.His973Tyr (NM_014722.5); short protein forms H923Y, H952Y, H973Y.
Identifiers: ClinVar variation 3373005 (VCV003373005.1).

ClinVar aggregate classification (germline): Uncertain significance (1 of 4 stars; one submission).

gnomAD v4.1: 4 of 1,550,696 alleles (0.00026%); highest among the groups gnomAD compares: Admixed American, 0.0078%; no homozygotes.

Submission:

GeneDx
Classification: Uncertain significance. Last evaluated: 2024-04-24. Review status: criteria provided, single submitter. Criteria: GeneDx Variant Classification Process June 2021. Collection method: clinical testing. Allele origin: germline. Affected: yes.
Comment: In silico analysis indicates that this missense variant does not alter protein structure/function; Has not been previously published as pathogenic or benign to our knowledge; Variants in candidate genes are classified as variants of uncertain significance in accordance with ACMG guidelines (PMID: 25741868)